The following is an entry in ClinVar:

NM_032608.7(MYO18B):c.1796T>C (p.Leu599Pro)

Gene: MYO18B (myosin XVIIIB; plus strand). Cytogenetic location: 22q12.1.
Variant type: single nucleotide variant.
Coding change: c.1796T>C on transcript NM_032608.7 (MANE Select); coding-DNA position 1796, T replaced by C.
Protein change: p.Leu599Pro; replaces leucine 599 with proline.
Molecular consequence: missense variant.
Genome position (GRCh38, 1-based): chr22:25,772,437, T>C. VCF-style: chr22-25772437-T-C. GRCh37 (hg19) VCF-style: chr22-26168404-T-C.
Other names: c.1796T>C, p.Leu599Pro (NM_001318245.2); short protein forms L599P.
Identifiers: ClinVar variation 1464893 (VCV001464893.6), dbSNP rs2145609324, ClinGen allele CA411006004.
Genomic context (GRCh38, chr22:25,772,437, plus strand): 5'-TCATCAGTGTCAACGAATCCAGTGTCCTGAACACGCTTCTGCAGCGCTACAAAGCTCAGC[T>C]GCTGCACACCTGCACAGGGCCTGATCTGATTGTCCTCCAGCCCCGGGGGCCCTCGGTGCC-3'
Protein context (NP_115997.5, residues 589-609): NTLLQRYKAQ[Leu599Pro]LHTCTGPDLI

ClinVar aggregate classification (germline): Uncertain significance (1 of 4 stars; one submission).

Submission:

Labcorp Genetics (formerly Invitae), Labcorp
Classification: Uncertain significance. Last evaluated: 2021-03-26. Review status: criteria provided, single submitter. Criteria: Invitae Variant Classification Sherloc (09022015). Collection method: clinical testing. Allele origin: germline.
Comment: In summary, the available evidence is currently insufficient to determine the role of this variant in disease. Therefore, it has been classified as a Variant of Uncertain Significance. Algorithms developed to predict the effect of missense changes on protein structure and function are either unavailable or do not agree on the potential impact of this missense change (SIFT: "Not Available"; PolyPhen-2: "Probably Damaging"; Align-GVGD: "Not Available"). This variant has not been reported in the literature in individuals with MYO18B-related conditions. This variant is not present in population databases (ExAC no frequency). This sequence change replaces leucine with proline at codon 599 of the MYO18B protein (p.Leu599Pro). The leucine residue is moderately conserved and there is a moderate physicochemical difference between leucine and proline.